The following is an entry in ClinVar:

ClinVar aggregate classification (germline): Uncertain significance. Review status: criteria provided, multiple submitters, no conflicts (2 of 4 stars). 2 submissions from 2 submitters: Uncertain significance (2). Last evaluated 2024-05-09.

Conditions:
Hereditary cancer-predisposing syndrome. Also called: Hereditary neoplastic syndrome; Tumor predisposition; Hereditary Cancer Syndrome; Neoplastic Syndromes, Hereditary. Identifiers: Orphanet 140162, MedGen C0027672, MeSH D009386, MONDO:0015356.

Allele frequency attached by ClinVar (database versions not stated): gnomAD exomes below 0.00001.
gnomAD v4.1: 3 of 1,602,960 alleles (0.00019%); highest among the groups gnomAD compares: South Asian, 0.0011%; no homozygotes.

Submissions (2):

Labcorp Genetics (formerly Invitae), Labcorp
Classification: Uncertain significance. Last evaluated: 2024-05-09. Review status: criteria provided, single submitter. Criteria: Invitae Variant Classification Sherloc (09022015). Collection method: clinical testing. Allele origin: germline.
Comment: This sequence change replaces proline, which is neutral and non-polar, with serine, which is neutral and polar, at codon 346 of the MSH3 protein (p.Pro346Ser). This variant is present in population databases (no rsID available, gnomAD 0.003%). This variant has not been reported in the literature in individuals affected with MSH3-related conditions. ClinVar contains an entry for this variant (Variation ID: 2586086). An algorithm developed to predict the effect of missense changes on protein structure and function (PolyPhen-2) suggests that this variant is likely to be tolerated. In summary, the available evidence is currently insufficient to determine the role of this variant in disease. Therefore, it has been classified as a Variant of Uncertain Significance.

Ambry Genetics
Classification: Uncertain significance for Hereditary cancer-predisposing syndrome. Last evaluated: 2023-09-09. Review status: criteria provided, single submitter. Criteria: Ambry Variant Classification Scheme 2023. Collection method: clinical testing. Allele origin: germline.
Comment: The p.P346S variant (also known as c.1036C>T), located in coding exon 7 of the MSH3 gene, results from a C to T substitution at nucleotide position 1036. The proline at codon 346 is replaced by serine, an amino acid with similar properties. This amino acid position is conserved. In addition, the in silico prediction for this alteration is inconclusive. Since supporting evidence is limited at this time, the clinical significance of this alteration remains unclear.

NM_002439.5(MSH3):c.1036C>T (p.Pro346Ser)

Gene: MSH3 (mutS homolog 3; plus strand). Cytogenetic location: 5q14.1.
Variant type: single nucleotide variant.
Coding change: c.1036C>T on transcript NM_002439.5 (MANE Select); coding-DNA position 1036, C replaced by T.
Protein change: p.Pro346Ser; replaces proline 346 with serine.
Molecular consequence: missense variant.
Genome position (GRCh38, 1-based): chr5:80,674,991, C>T. VCF-style: chr5-80674991-C-T. GRCh37 (hg19) VCF-style: chr5-79970810-C-T.
Other names: short protein forms P346S.
Identifiers: ClinVar variation 2586086 (VCV002586086.4), dbSNP rs1180808858, ClinGen allele CA360267847.